The following is an entry in ClinVar:

ClinVar aggregate classification (germline): Uncertain significance (1 of 4 stars; one submission).

Conditions:
Inborn genetic diseases. Identifiers: MedGen C0950123, MeSH D030342.

Submission:

Ambry Genetics
Classification: Uncertain significance for Inborn genetic diseases. Last evaluated: 2025-08-01. Review status: criteria provided, single submitter. Criteria: Ambry Variant Classification Scheme 2023. Collection method: clinical testing. Allele origin: germline.
Comment: The p.E589Q variant (also known as c.1765G>C), located in coding exon 15 of the BUB1B gene, results from a G to C substitution at nucleotide position 1765. The glutamic acid at codon 589 is replaced by glutamine, an amino acid with highly similar properties. This amino acid position is conserved. In addition, this alteration is predicted to be tolerated by in silico analysis. Based on the available evidence, the clinical significance of this variant remains unclear.

NM_001211.6(BUB1B):c.1765G>C (p.Glu589Gln)

Gene: BUB1B (BUB1 mitotic checkpoint serine/threonine kinase B; plus strand). Cytogenetic location: 15q15.1.
Variant type: single nucleotide variant.
Coding change: c.1765G>C on transcript NM_001211.6 (MANE Select); coding-DNA position 1765, G replaced by C.
Protein change: p.Glu589Gln; replaces glutamic acid 589 with glutamine.
Molecular consequence: missense variant.
Genome position (GRCh38, 1-based): chr15:40,206,214, G>C. VCF-style: chr15-40206214-G-C. GRCh37 (hg19) VCF-style: chr15-40498415-G-C.
Other names: short protein forms E589Q.
Identifiers: ClinVar variation 4216957 (VCV004216957.1).